The following is an entry in ClinVar:

NM_020987.5(ANK3):c.1162G>A (p.Asp388Asn)

Gene: ANK3 (ankyrin 3; minus strand). Cytogenetic location: 10q21.2.
Variant type: single nucleotide variant.
Coding change: c.1162G>A on transcript NM_020987.5 (MANE Select); coding-DNA position 1162, G replaced by A.
Protein change: p.Asp388Asn; replaces aspartic acid 388 with asparagine.
Molecular consequence: missense variant.
Genome position (GRCh38, 1-based): chr10:60,208,068, C>T on the plus strand (G>A on the coding strand, the complement: ANK3 is on the minus strand). VCF-style: chr10-60208068-C-T. GRCh37 (hg19) VCF-style: chr10-61967826-C-T.
Other names: c.1144G>A, p.Asp382Asn (NM_001204403.2); c.1111G>A, p.Asp371Asn (NM_001204404.2); c.1162G>A, p.Asp388Asn (NM_001320874.2); short protein forms D382N, D388N, D371N.
Identifiers: ClinVar variation 382268 (VCV000382268.2), dbSNP rs1057521304, ClinGen allele CA16606676.
Genomic context (GRCh38, chr10:60,208,068, plus strand): 5'-GGCTGGACTCGCTGGTTGAGCCACTCACCAGGGCTTTGGCATTGGGGTTAGCTTTCTTAT[C>T]CAAGAGAACCTTGGCAACTTTGTAATGGCCACAGTGGGCAGCCACGTGTAGGGCAGTCAG-3'
Protein context (NP_066267.2, residues 378-398): GHYKVAKVLL[Asp388Asn]KKANPNAKAL

ClinVar aggregate classification (germline): Uncertain significance (1 of 4 stars; one submission).

Submission:

GeneDx
Classification: Uncertain significance. Last evaluated: 2016-01-05. Review status: criteria provided, single submitter. Criteria: GeneDx Variant Classification (06012015). Collection method: clinical testing. Allele origin: germline. Affected: yes.
Comment: The D388N variant in the ANK3 gene has not been reported previously as a pathogenic variant, nor as a benign variant, to our knowledge. The D388N variant was not observed in approximately 6500 individuals of European and African American ancestry in the NHLBI Exome Sequencing Project, indicating it is not a common benign variant in these populations. The D388N variant is a semi-conservative amino acid substitution, which may impact secondary protein structure as these residues differ in some properties. This substitution occurs at a position that is conserved across species. In silico analysis is inconsistent in its predictions as to whether or not the variant is damaging to the protein structure/function. We interpret D388N as a variant of uncertain significance.